The following is an entry in ClinVar:

NM_032237.5(POMK):c.137G>A (p.Arg46Gln)

Gene: POMK (protein O-mannose kinase; plus strand). Cytogenetic location: 8p11.21.
Variant type: single nucleotide variant.
Coding change: c.137G>A on transcript NM_032237.5 (MANE Select); coding-DNA position 137, G replaced by A.
Protein change: p.Arg46Gln; replaces arginine 46 with glutamine.
Molecular consequence: missense variant.
Genome position (GRCh38, 1-based): chr8:43,103,685, G>A. VCF-style: chr8-43103685-G-A. GRCh37 (hg19) VCF-style: chr8-42958828-G-A.
Other names: c.137G>A, p.Arg46Gln (NM_001277971.2); short protein forms R46Q.
Identifiers: ClinVar variation 2067440 (VCV002067440.4), dbSNP rs1463768524, ClinGen allele CA371117170.
Genomic context (GRCh38, chr8:43,103,685, plus strand): 5'-TCATGGCCCTGATGAATACTCTGCTCTACCTCTGCCTCGACCACTTCTTCATCGCTCCTC[G>A]ACAATCCACTGTGGACCCCACACACTGTCCCTATGGTCACTTCAGGATAGGACAGATGAA-3'
Protein context (NP_115613.1, residues 36-56): LCLDHFFIAP[Arg46Gln]QSTVDPTHCP

ClinVar aggregate classification (germline): Uncertain significance (1 of 4 stars; one submission).

Conditions:
Muscular dystrophy-dystroglycanopathy (congenital with brain and eye anomalies), type a, 12 (MDDGA12). Also called: WALKER-WARBURG SYNDROME OR MUSCLE-EYE-BRAIN DISEASE, POMK-RELATED. Identifiers: Orphanet 899, MedGen C3808964, MONDO:0014101, OMIM 615249.
Limb-girdle muscular dystrophy due to POMK deficiency. Also called: Muscular dystrophy-dystroglycanopathy (limb-girdle), type c, 12; MUSCULAR DYSTROPHY-DYSTROGLYCANOPATHY, LIMB-GIRDLE, POMK-RELATED. Identifiers: Orphanet 445110, MedGen C4015184, MONDO:0014489, OMIM 616094.

Allele frequency attached by ClinVar (database versions not stated): gnomAD exomes below 0.00001; TOPMed 0.00001; gnomAD 0.00002.
gnomAD v4.1: 11 of 1,613,782 alleles (0.00068%); highest among the groups gnomAD compares: African/African-American, 0.0067%; no homozygotes.

Submission:

Labcorp Genetics (formerly Invitae), Labcorp
Classification: Uncertain significance for Muscular dystrophy-dystroglycanopathy (congenital with brain and eye anomalies), type a, 12; Limb-girdle muscular dystrophy due to POMK deficiency. Last evaluated: 2024-10-24. Review status: criteria provided, single submitter. Criteria: Invitae Variant Classification Sherloc (09022015). Collection method: clinical testing. Allele origin: germline.
Comment: This sequence change replaces arginine, which is basic and polar, with glutamine, which is neutral and polar, at codon 46 of the POMK protein (p.Arg46Gln). This variant is not present in population databases (gnomAD no frequency). This variant has not been reported in the literature in individuals affected with POMK-related conditions. ClinVar contains an entry for this variant (Variation ID: 2067440). Invitae Evidence Modeling of protein sequence and biophysical properties (such as structural, functional, and spatial information, amino acid conservation, physicochemical variation, residue mobility, and thermodynamic stability) indicates that this missense variant is not expected to disrupt POMK protein function with a negative predictive value of 80%. In summary, the available evidence is currently insufficient to determine the role of this variant in disease. Therefore, it has been classified as a Variant of Uncertain Significance.